The following is an entry in ClinVar:

NM_001130144.3(LTBP3):c.929C>G (p.Ala310Gly)

Gene: LTBP3 (latent transforming growth factor beta binding protein 3; minus strand). Cytogenetic location: 11q13.1.
Variant type: single nucleotide variant.
Coding change: c.929C>G on transcript NM_001130144.3 (MANE Select); coding-DNA position 929, C replaced by G.
Protein change: p.Ala310Gly; replaces alanine 310 with glycine.
Molecular consequence: missense variant.
Genome position (GRCh38, 1-based): chr11:65,553,466, G>C on the plus strand (C>G on the coding strand, the complement: LTBP3 is on the minus strand). VCF-style: chr11-65553466-G-C. GRCh37 (hg19) VCF-style: chr11-65320937-G-C.
Other names: c.578C>G, p.Ala193Gly (NM_001164266.1); c.929C>G, p.Ala310Gly (NM_021070.4); short protein forms A193G, A310G.
Identifiers: ClinVar variation 3233191 (VCV003233191.1), dbSNP rs916279110, ClinGen allele CA223969641.
Genomic context (GRCh38, chr11:65,553,466, plus strand): 5'-CCTGAGCCCAAGCACTCACACTGCAGCTGGGGACACTTGTGGCACTTGCTCTGGCCCCAG[G>C]CAGTGCCGATGCTACCGCAGCAGTCTTCCTGCTTGGTGAGGCCGGGGAGGGGGTTGCTGC-3'
Protein context (NP_001123616.1, residues 300-320): QEDCCGSIGT[Ala310Gly]WGQSKCHKCP

ClinVar aggregate classification (germline): Uncertain significance (1 of 4 stars; one submission).

Conditions:
Inborn genetic diseases. Identifiers: MedGen C0950123, MeSH D030342.

gnomAD v4.1: 1 of 1,612,566 alleles (0.000062%); highest among the groups gnomAD compares: Non-Finnish European, 0.000085%; no homozygotes.

Submission:

Ambry Genetics
Classification: Uncertain significance for Inborn genetic diseases. Last evaluated: 2024-03-11. Review status: criteria provided, single submitter. Criteria: Ambry Variant Classification Scheme 2023. Collection method: clinical testing. Allele origin: germline.
Comment: The p.A310G variant (also known as c.929C>G), located in coding exon 4 of the LTBP3 gene, results from a C to G substitution at nucleotide position 929. The alanine at codon 310 is replaced by glycine, an amino acid with similar properties. This amino acid position is conserved. In addition, the in silico prediction for this alteration is inconclusive. Based on the available evidence, the clinical significance of this alteration remains unclear.